The following is an entry in ClinVar:

NM_001754.5(RUNX1):c.100G>A (p.Ala34Thr)

Gene: RUNX1 (RUNX family transcription factor 1; minus strand). Cytogenetic location: 21q22.12.
Variant type: single nucleotide variant.
Coding change: c.100G>A on transcript NM_001754.5 (MANE Select); coding-DNA position 100, G replaced by A.
Protein change: p.Ala34Thr; replaces alanine 34 with threonine.
Molecular consequence: missense variant.
Genome position (GRCh38, 1-based): chr21:34,887,094, C>T on the plus strand (G>A on the coding strand, the complement: RUNX1 is on the minus strand). VCF-style: chr21-34887094-C-T. GRCh37 (hg19) VCF-style: chr21-36259391-C-T.
Other names: NM_001754.5(RUNX1):c.100G>A; p.Ala34Thr; c.19G>A, p.Ala7Thr (NM_001001890.3, NM_001122607.2); short protein forms A34T, A7T.
Identifiers: ClinVar variation 2695395 (VCV002695395.5), dbSNP rs2517488716, ClinGen allele CA410204321.
Genomic context (GRCh38, chr21:34,887,094, plus strand): 5'-CGCTCATCTTGCCTGGGCTCAGCGCGGTGGAAGGCGGCGTGAAGCGGCGGCTCGTGCTGG[C>T]ATCTACGGGGATACGCATCACAACAAGCCGATTGAGTTAGGACCCTGCAAACAGCTCCTA-3'
Protein context (NP_001745.2, residues 24-44): GMNPSRDVHD[Ala34Thr]STSRRFTPPS

ClinVar aggregate classification (germline): Uncertain significance. Review status: reviewed by expert panel (3 of 4 stars). 3 submissions from 3 submitters: Uncertain significance (1). 2 of the submissions do not count toward it. Last evaluated 2024-10-29.

Conditions:
Hereditary thrombocytopenia and hematological cancer predisposition syndrome associated with RUNX1. Also called: Familial Platelet Disorder with Propensity to Acute Myelogenous Leukemia; Familial thrombocytopenia with propensity to acute myelogenous leukemia; PLATELET DISORDER, ASPIRIN-LIKE; RUNX1 Familial Platelet Disorder with Associated Myeloid Malignancies. Identifiers: Orphanet 71290, MedGen C1832388, MeSH C563324, MONDO:0100083, OMIM 601399.
Inborn genetic diseases. Identifiers: MedGen C0950123, MeSH D030342.
Hereditary thrombocytopenia and hematologic cancer predisposition syndrome. Identifiers: Orphanet 71290, MedGen CN281654, MONDO:0011071.

Submissions (3):

ClinGen Myeloid Malignancy Variant Curation Expert Panel
Classification: Uncertain significance for Hereditary thrombocytopenia and hematologic cancer predisposition syndrome. Last evaluated: 2024-10-29. Review status: reviewed by expert panel. Criteria: ClinGen MyeloMalig ACMG Specifications v2. Collection method: curation. Allele origin: germline. Inheritance: Autosomal dominant inheritance.
Comment: NM_001754.5(RUNX1):c.100G>A (p.Ala34Thr) is a missense variant which is completely absent from all population databases with at least 20x coverage for RUNX1 (PM2_supporting). This missense variant has a REVEL score <0.50 (0.345) and a SpliceAI score ≤0.20 (0.09) (BP4). In summary, the clinical significance of this variant is uncertain. ACMG/AMP criteria applied, as specified by the Myeloid Malignancy Variant Curation Expert Panel for RUNX1: PM2_supporting, BP4.

Ambry Genetics
Classification: Uncertain significance for Inborn genetic diseases. Last evaluated: 2025-10-28. Review status: criteria provided, single submitter. Criteria: Ambry Variant Classification Scheme 2023. Collection method: clinical testing. Allele origin: germline. Not counted in ClinVar's aggregate classification.
Comment: The p.A34T variant (also known as c.100G>A), located in coding exon 3 of the RUNX1 gene, results from a G to A substitution at nucleotide position 100. The alanine at codon 34 is replaced by threonine, an amino acid with similar properties. This amino acid position is not well conserved in available vertebrate species. In addition, the in silico prediction for this alteration is inconclusive. Based on the available evidence, the clinical significance of this variant remains unclear.

Labcorp Genetics (formerly Invitae), Labcorp
Classification: Uncertain significance for Hereditary thrombocytopenia and hematological cancer predisposition syndrome associated with RUNX1. Last evaluated: 2023-02-01. Review status: criteria provided, single submitter. Criteria: Invitae Variant Classification Sherloc (09022015). Collection method: clinical testing. Allele origin: germline. Not counted in ClinVar's aggregate classification.
Comment: This sequence change replaces alanine, which is neutral and non-polar, with threonine, which is neutral and polar, at codon 34 of the RUNX1 protein (p.Ala34Thr). This variant is not present in population databases (gnomAD no frequency). This variant has not been reported in the literature in individuals affected with RUNX1-related conditions. Algorithms developed to predict the effect of missense changes on protein structure and function output the following: SIFT: "Tolerated"; PolyPhen-2: "Benign"; Align-GVGD: "Class C0". The threonine amino acid residue is found in multiple mammalian species, which suggests that this missense change does not adversely affect protein function. In summary, the available evidence is currently insufficient to determine the role of this variant in disease. Therefore, it has been classified as a Variant of Uncertain Significance.